The following is an entry in ClinVar:

NM_004725.4(BUB3):c.206A>G (p.His69Arg)

Gene: BUB3 (BUB3 mitotic checkpoint protein; plus strand). Cytogenetic location: 10q26.13.
Variant type: single nucleotide variant.
Coding change: c.206A>G on transcript NM_004725.4 (MANE Select); coding-DNA position 206, A replaced by G.
Protein change: p.His69Arg; replaces histidine 69 with arginine.
Molecular consequence: missense variant.
Genome position (GRCh38, 1-based): chr10:123,155,668, A>G. VCF-style: chr10-123155668-A-G. GRCh37 (hg19) VCF-style: chr10-124915184-A-G.
Other names: c.206A>G, p.His69Arg (NM_001007793.3); short protein forms H69R.
Identifiers: ClinVar variation 3262316 (VCV003262316.1).

ClinVar aggregate classification (germline): Uncertain significance (1 of 4 stars; one submission).

Submission:

Ambry Genetics
Classification: Uncertain significance. Last evaluated: 2024-06-16. Review status: criteria provided, single submitter. Criteria: Ambry Variant Classification Scheme 2023. Collection method: clinical testing. Allele origin: germline.
Comment: The p.H69R variant (also known as c.206A>G), located in coding exon 2 of the BUB3 gene, results from an A to G substitution at nucleotide position 206. The histidine at codon 69 is replaced by arginine, an amino acid with highly similar properties. This amino acid position is conserved. In addition, this alteration is predicted to be deleterious by in silico analysis. Based on the available evidence, the clinical significance of this variant remains unclear.